The following is an entry in ClinVar:

NM_203446.3(SYNJ1):c.2631G>C (p.Glu877Asp)

Gene: SYNJ1 (synaptojanin 1; minus strand). Cytogenetic location: 21q22.11.
Variant type: single nucleotide variant.
Coding change: c.2631G>C on transcript NM_203446.3 (MANE Select); coding-DNA position 2631, G replaced by C.
Protein change: p.Glu877Asp; replaces glutamic acid 877 with aspartic acid.
Molecular consequence: missense variant.
Genome position (GRCh38, 1-based): chr21:32,656,851, C>G on the plus strand (G>C on the coding strand, the complement: SYNJ1 is on the minus strand). VCF-style: chr21-32656851-C-G. GRCh37 (hg19) VCF-style: chr21-34029161-C-G.
Other names: c.2631G>C, p.Glu877Asp (NM_001160302.2); c.2616G>C, p.Glu872Asp (NM_001160306.2); c.2748G>C, p.Glu916Asp (NM_003895.4); short protein forms E916D, E872D, E877D.
Identifiers: ClinVar variation 544550 (VCV000544550.6), dbSNP rs375526059, ClinGen allele CA10003608.

ClinVar aggregate classification (germline): Uncertain significance (1 of 4 stars; one submission).

Conditions:
Early-onset Parkinson disease 20. Also called: PARKINSON DISEASE 20, AUTOSOMAL RECESSIVE EARLY-ONSET. Identifiers: Orphanet 391411, MedGen C3809824, MONDO:0014233, OMIM 615530.
Developmental and epileptic encephalopathy, 53. Also called: Epileptic encephalopathy, early infantile, 53. Identifiers: MedGen C4479313, MONDO:0033362, OMIM 617389.

gnomAD v4.1: 3 of 1,614,058 alleles (0.00019%); highest among the groups gnomAD compares: Non-Finnish European, 0.00025%; no homozygotes.

Submission:

Labcorp Genetics (formerly Invitae), Labcorp
Classification: Uncertain significance for Developmental and epileptic encephalopathy, 53; Early-onset Parkinson disease 20. Last evaluated: 2021-08-25. Review status: criteria provided, single submitter. Criteria: Invitae Variant Classification Sherloc (09022015). Collection method: clinical testing. Allele origin: germline.
Comment: This sequence change replaces glutamic acid with aspartic acid at codon 916 of the SYNJ1 protein (p.Glu916Asp). The glutamic acid residue is moderately conserved and there is a small physicochemical difference between glutamic acid and aspartic acid. This variant is present in population databases (rs375526059, ExAC 0.001%). This variant has not been reported in the literature in individuals affected with SYNJ1-related conditions. Algorithms developed to predict the effect of missense changes on protein structure and function (SIFT, PolyPhen-2, Align-GVGD) all suggest that this variant is likely to be tolerated. In summary, the available evidence is currently insufficient to determine the role of this variant in disease. Therefore, it has been classified as a Variant of Uncertain Significance.